The following is an entry in ClinVar:

ClinVar aggregate classification (germline): Likely benign (1 of 4 stars; one submission).

Conditions:
Familial hyperaldosteronism type III. Also called: FH III; Familial hyperaldosteronism type 3. Identifiers: Orphanet 251274, MedGen C3838758, MONDO:0013359, OMIM 613677.

Allele frequency attached by ClinVar (database versions not stated): 1000 Genomes Project 30x 0.00453; 1000 Genomes Project 0.00499; gnomAD 0.00541 and 0.00584; TOPMed 0.00626.
gnomAD v4.1: 819 of 164,356 alleles (0.5%); highest among the groups gnomAD compares: African/African-American, 1.9%; 6 homozygotes.

Submission:

Illumina Laboratory Services, Illumina
Classification: Likely benign for Familial hyperaldosteronism type III. Last evaluated: 2017-04-27. Review status: criteria provided, single submitter. Criteria: ICSL Variant Classification Criteria 13 December 2019. Collection method: clinical testing. Allele origin: germline.
Comment: This variant was observed as part of a predisposition screen in an ostensibly healthy population. A literature search was performed for the gene, cDNA change, and amino acid change (where applicable). No publications were found based on this search. Allele frequency data from public databases allowed determination this variant is unlikely to cause disease. Therefore, this variant is classified as likely benign.

NM_000890.5(KCNJ5):c.*449A>T

Gene: KCNJ5 (potassium inwardly rectifying channel subfamily J member 5; plus strand). Cytogenetic location: 11q24.3.
Variant type: single nucleotide variant.
Coding change: c.*449A>T on transcript NM_000890.5 (MANE Select); 449 bases downstream of the stop codon, A replaced by T.
Molecular consequence: 3 prime UTR variant.
Genome position (GRCh38, 1-based): chr11:128,917,180, A>T. VCF-style: chr11-128917180-A-T. GRCh37 (hg19) VCF-style: chr11-128787075-A-T.
Other names: c.*449A>T (LRG_333t1, NM_001354169.2).
Identifiers: ClinVar variation 303642 (VCV000303642.5), dbSNP rs115414355, ClinGen allele CA10638506.